The following is an entry in ClinVar:

ClinVar aggregate classification (germline): Uncertain significance (1 of 4 stars; one submission).

Submission:

Ambry Genetics
Classification: Uncertain significance. Last evaluated: 2024-08-12. Review status: criteria provided, single submitter. Criteria: Ambry Variant Classification Scheme 2023. Collection method: clinical testing. Allele origin: germline.
Comment: The p.D1132N variant (also known as c.3394G>A), located in coding exon 29 of the PRKDC gene, results from a G to A substitution at nucleotide position 3394. The aspartic acid at codon 1132 is replaced by asparagine, an amino acid with highly similar properties. This amino acid position is conserved. In addition, this alteration is predicted to be tolerated by in silico analysis. Based on the available evidence, the clinical significance of this variant remains unclear.

NM_006904.7(PRKDC):c.3394G>A (p.Asp1132Asn)

Gene: PRKDC (protein kinase, DNA-activated, catalytic subunit; minus strand). Cytogenetic location: 8q11.21.
Variant type: single nucleotide variant.
Coding change: c.3394G>A on transcript NM_006904.7 (MANE Select); coding-DNA position 3394, G replaced by A.
Protein change: p.Asp1132Asn; replaces aspartic acid 1132 with asparagine.
Molecular consequence: missense variant.
Genome position (GRCh38, 1-based): chr8:47,898,540, C>T on the plus strand (G>A on the coding strand, the complement: PRKDC is on the minus strand). VCF-style: chr8-47898540-C-T. GRCh37 (hg19) VCF-style: chr8-48811100-C-T.
Other names: c.3394G>A, p.Asp1132Asn (NM_001081640.2); short protein forms D1132N.
Identifiers: ClinVar variation 3425297 (VCV003425297.1).
Genomic context (GRCh38, chr8:47,898,540, plus strand): 5'-GTCGTTTCTTTGCTTTATTTAAAGAAACATGCTTCTTTTCAATGATGCGGCATAGGTGAT[C>T]AATGGCATCACAACACTGTTGAATTGTACCTGTTCTCAAGTACAGAGACATATTTCCAAA-3'
Protein context (NP_008835.5, residues 1122-1142): GTIQQCCDAI[Asp1132Asn]HLCRIIEKKH